The following is an entry in ClinVar:

ClinVar aggregate classification (germline): Uncertain significance. Review status: criteria provided, single submitter (1 of 4 stars). 2 submissions from 2 submitters: Uncertain significance (1). 1 of the submissions does not count toward it. Last evaluated 2023-10-01.

Conditions:
ERBB4-related disorder. Also called: ERBB4-related condition.

Allele frequency attached by ClinVar (database versions not stated): gnomAD 0.00002; ExAC 0.00004; gnomAD exomes 0.00004; TOPMed 0.00005.
gnomAD v4.1: 163 of 1,613,926 alleles (0.01%); highest among the groups gnomAD compares: Non-Finnish European, 0.014%; no homozygotes.

Submissions (2):

Labcorp Genetics (formerly Invitae), Labcorp
Classification: Uncertain significance. Last evaluated: 2023-10-01. Review status: criteria provided, single submitter. Criteria: Invitae Variant Classification Sherloc (09022015). Collection method: clinical testing. Allele origin: germline.
Comment: This sequence change replaces alanine, which is neutral and non-polar, with glutamic acid, which is acidic and polar, at codon 4 of the ERBB4 protein (p.Ala4Glu). This variant is present in population databases (rs748663394, gnomAD 0.009%). This variant has not been reported in the literature in individuals affected with ERBB4-related conditions. ClinVar contains an entry for this variant (Variation ID: 1492604). An algorithm developed to predict the effect of missense changes on protein structure and function (PolyPhen-2) suggests that this variant is likely to be tolerated. In summary, the available evidence is currently insufficient to determine the role of this variant in disease. Therefore, it has been classified as a Variant of Uncertain Significance.

PreventionGenetics, part of Exact Sciences
Classification: Uncertain significance for ERBB4-related condition. Last evaluated: 2024-07-24. Review status: no assertion criteria provided. Collection method: clinical testing. Allele origin: germline. Not counted in ClinVar's aggregate classification.
Comment: The ERBB4 c.11C>A variant is predicted to result in the amino acid substitution p.Ala4Glu. To our knowledge, this variant has not been reported in the literature. This variant is reported in 0.0093% of alleles in individuals of European (Non-Finnish) descent in gnomAD. At this time, the clinical significance of this variant is uncertain due to the absence of conclusive functional and genetic evidence.

NM_005235.3(ERBB4):c.11C>A (p.Ala4Glu)

Gene: ERBB4 (erb-b2 receptor tyrosine kinase 4; minus strand). Cytogenetic location: 2q34.
Variant type: single nucleotide variant.
Coding change: c.11C>A on transcript NM_005235.3 (MANE Select); coding-DNA position 11, C replaced by A.
Protein change: p.Ala4Glu; replaces alanine 4 with glutamic acid.
Molecular consequence: missense variant.
Genome position (GRCh38, 1-based): chr2:212,538,520, G>T on the plus strand (C>A on the coding strand, the complement: ERBB4 is on the minus strand). VCF-style: chr2-212538520-G-T. GRCh37 (hg19) VCF-style: chr2-213403244-G-T.
Other names: c.11C>A, p.Ala4Glu (NM_001042599.2); short protein forms A4E.
Identifiers: ClinVar variation 1492604 (VCV001492604.7), dbSNP rs748663394, ClinGen allele CA2088631.